The following is an entry in ClinVar:

NM_000038.6(APC):c.6764C>T (p.Thr2255Ile)

Gene: APC (APC regulator of Wnt signaling pathway; plus strand). Cytogenetic location: 5q22.2.
Variant type: single nucleotide variant.
Coding change: c.6764C>T on transcript NM_000038.6 (MANE Select); coding-DNA position 6764, C replaced by T.
Protein change: p.Thr2255Ile; replaces threonine 2255 with isoleucine.
Molecular consequence: missense variant.
Genome position (GRCh38, 1-based): chr5:112,842,358, C>T. VCF-style: chr5-112842358-C-T. GRCh37 (hg19) VCF-style: chr5-112178055-C-T.
Other names: c.6764C>T, p.Thr2255Ile (NM_001127510.3, NM_001354895.2, NM_001407450.1); c.6710C>T, p.Thr2237Ile (NM_001127511.3); c.6818C>T, p.Thr2273Ile (NM_001354896.2, NM_001407447.1, NM_001407448.1 and 1 more transcripts); c.6794C>T, p.Thr2265Ile (NM_001354897.2); c.6689C>T, p.Thr2230Ile (NM_001354898.2); c.6680C>T, p.Thr2227Ile (NM_001354899.2); c.6641C>T, p.Thr2214Ile (NM_001354900.2); c.6587C>T, p.Thr2196Ile (NM_001354901.2, NM_001407453.1); and 11 more; short protein forms T2129I, T2214I, T2237I, T1871I, T2126I, T2154I, T2196I, T2255I.
Identifiers: ClinVar variation 1958801 (VCV001958801.6), dbSNP rs752399791, ClinGen allele CA16036109.
Genomic context (GRCh38, chr5:112,842,358, plus strand): 5'-GAGTTCGAAATAGCTCCTCAAGTACAAGTCCTGTTTCTAAAAAAGGCCCACCCCTTAAGA[C>T]TCCAGCCTCCAAAAGCCCTAGTGAAGGTCAAACAGCCACCACTTCTCCTAGAGGAGCCAA-3'
Protein context (NP_000029.2, residues 2245-2265): PVSKKGPPLK[Thr2255Ile]PASKSPSEGQ

ClinVar aggregate classification (germline): Uncertain significance. Review status: criteria provided, multiple submitters, no conflicts (2 of 4 stars). 2 submissions from 2 submitters: Uncertain significance (2). Last evaluated 2023-03-06.

Conditions:
Familial adenomatous polyposis 1 (FAP1). Also called: FAMILIAL ADENOMATOUS POLYPOSIS 1, ATTENUATED; POLYPOSIS, ADENOMATOUS INTESTINAL. Identifiers: MedGen C2713442, MONDO:0021056, OMIM 175100. Disease mechanism: loss of function.

gnomAD v4.1: 2 of 1,614,014 alleles (0.00012%); highest among the groups gnomAD compares: Non-Finnish European, 0.00017%; no homozygotes.

Submissions (2):

Institute for Clinical Genetics, University Hospital TU Dresden, University Hospital TU Dresden
Classification: Uncertain significance. Last evaluated: 2023-03-06. Review status: criteria provided, single submitter. Criteria: ACMG Guidelines, 2015. Collection method: clinical testing. Allele origin: germline.
Comment: PM2_SUP, BP4

Labcorp Genetics (formerly Invitae), Labcorp
Classification: Uncertain significance for Familial adenomatous polyposis 1. Last evaluated: 2022-02-19. Review status: criteria provided, single submitter. Criteria: Invitae Variant Classification Sherloc (09022015). Collection method: clinical testing. Allele origin: germline.
Comment: This sequence change replaces threonine, which is neutral and polar, with isoleucine, which is neutral and non-polar, at codon 2255 of the APC protein (p.Thr2255Ile). In summary, the available evidence is currently insufficient to determine the role of this variant in disease. Therefore, it has been classified as a Variant of Uncertain Significance. Algorithms developed to predict the effect of missense changes on protein structure and function are either unavailable or do not agree on the potential impact of this missense change (SIFT: "Tolerated"; PolyPhen-2: "Possibly Damaging"; Align-GVGD: "Class C0"). This variant has not been reported in the literature in individuals affected with APC-related conditions. This variant is not present in population databases (gnomAD no frequency).